The following is an entry in ClinVar:

ClinVar aggregate classification (germline): Uncertain significance (1 of 4 stars; one submission).

Conditions:
Multiple congenital anomalies-hypotonia-seizures syndrome 1 (MCAHS1). Also called: PIGN-CDG; Congenital disorder of glycosylation due to PIGN deficiency; GLYCOSYLPHOSPHATIDYLINOSITOL BIOSYNTHESIS DEFECT 3. Identifiers: Orphanet 280633, MedGen C3279775, MONDO:0013563, OMIM 614080.

Allele frequency attached by ClinVar (database versions not stated): gnomAD exomes below 0.00001.

Submission:

Labcorp Genetics (formerly Invitae), Labcorp
Classification: Uncertain significance for Multiple congenital anomalies-hypotonia-seizures syndrome 1. Last evaluated: 2022-07-26. Review status: criteria provided, single submitter. Criteria: Invitae Variant Classification Sherloc (09022015). Collection method: clinical testing. Allele origin: germline.
Comment: This sequence change replaces isoleucine, which is neutral and non-polar, with valine, which is neutral and non-polar, at codon 258 of the PIGN protein (p.Ile258Val). This variant is present in population databases (no rsID available, gnomAD 0.0009%). This variant has not been reported in the literature in individuals affected with PIGN-related conditions. ClinVar contains an entry for this variant (Variation ID: 472235). Algorithms developed to predict the effect of missense changes on protein structure and function output the following: SIFT: "Tolerated"; PolyPhen-2: "Benign"; Align-GVGD: "Class C0". The valine amino acid residue is found in multiple mammalian species, which suggests that this missense change does not adversely affect protein function. In summary, the available evidence is currently insufficient to determine the role of this variant in disease. Therefore, it has been classified as a Variant of Uncertain Significance.

NM_176787.5(PIGN):c.772A>G (p.Ile258Val)

Gene: PIGN (phosphatidylinositol glycan anchor biosynthesis class N; minus strand). Cytogenetic location: 18q21.33.
Variant type: single nucleotide variant.
Coding change: c.772A>G on transcript NM_176787.5 (MANE Select); coding-DNA position 772, A replaced by G.
Protein change: p.Ile258Val; replaces isoleucine 258 with valine.
Molecular consequence: missense variant.
Genome position (GRCh38, 1-based): chr18:62,147,004, T>C on the plus strand (A>G on the coding strand, the complement: PIGN is on the minus strand). VCF-style: chr18-62147004-T-C. GRCh37 (hg19) VCF-style: chr18-59814237-T-C.
Other names: c.772A>G, p.Ile258Val (NM_012327.6); short protein forms I258V.
Identifiers: ClinVar variation 472235 (VCV000472235.6), dbSNP rs1310594802, ClinGen allele CA402601545.